The following is an entry in ClinVar:

NM_000548.5(TSC2):c.1622C>T (p.Pro541Leu)

Gene: TSC2 (TSC complex subunit 2; plus strand). Cytogenetic location: 16p13.3.
Variant type: single nucleotide variant.
Coding change: c.1622C>T on transcript NM_000548.5 (MANE Select); coding-DNA position 1622, C replaced by T.
Protein change: p.Pro541Leu; replaces proline 541 with leucine.
Molecular consequence: missense variant.
Genome position (GRCh38, 1-based): chr16:2,065,541, C>T. VCF-style: chr16-2065541-C-T. GRCh37 (hg19) VCF-style: chr16-2115542-C-T.
Other names: c.1622C>T, p.Pro541Leu (NM_001077183.3, NM_001114382.3, NM_021055.3 and 6 more transcripts); c.1511C>T, p.Pro504Leu (NM_001318827.2, NM_001406678.1, NM_001406670.1); c.1475C>T, p.Pro492Leu (NM_001318829.2, NM_001406675.1, NM_001406676.1 and 1 more transcripts); c.1022C>T, p.Pro341Leu (NM_001318831.2, NM_001406680.1, NM_001406682.1 and 6 more transcripts); c.1610C>T, p.Pro537Leu (NM_001406671.1, NM_001406673.1); c.1565C>T, p.Pro522Leu (NM_001406677.1); c.1160C>T, p.Pro387Leu (NM_001406681.1); c.278C>T, p.Pro93Leu (NM_001406689.1, NM_001406690.1, NM_001406691.1 and 6 more transcripts); and 3 more; short protein forms P387L, P522L, P341L, P492L, P504L, P541L, P571L, P537L.
Identifiers: ClinVar variation 1776630 (VCV001776630.4), dbSNP rs752953762, ClinGen allele CA031807.
Genomic context (GRCh38, chr16:2,065,541, plus strand): 5'-CATGAGCCTGTGTGTAAGTCCTGGCCTTCTCTTCAAAGGTGATGGCCCGCTCCCTCTCCC[C>T]ACCCCCGGAGCTGGAAGAAAGGGATGTGGCCGCATACTCGGCCTCCTTGGAGGATGTGAA-3'
Protein context (NP_000539.2, residues 531-551): IEKVMARSLS[Pro541Leu]PPELEERDVA

ClinVar aggregate classification (germline): Uncertain significance. Review status: criteria provided, multiple submitters, no conflicts (2 of 4 stars). 2 submissions from 2 submitters: Uncertain significance (2). Last evaluated 2024-03-11.

Conditions:
Lymphangiomyomatosis (LAM). Also called: Lymphangioleiomyomatosis; Lymphangioleiomyomatosis, somatic. Identifiers: Orphanet 538, MedGen C0751674, MONDO:0011705, OMIM 606690.
Isolated focal cortical dysplasia type II (FCORD2). Also called: CORTICAL DYSPLASIA OF TAYLOR; Focal cortical dysplasia type II. Identifiers: Orphanet 268994, MedGen C1846385, MONDO:0011818, OMIM 607341, HP:0032051.
Tuberous sclerosis 2 (TSC2). Identifiers: Orphanet 805, MedGen C1860707, MONDO:0013199, OMIM 613254.
Hereditary cancer-predisposing syndrome. Also called: Tumor predisposition; Neoplastic Syndromes, Hereditary; Hereditary Cancer Syndrome; Hereditary neoplastic syndrome. Identifiers: Orphanet 140162, MedGen C0027672, MeSH D009386, MONDO:0015356.

Submissions (2):

Fulgent Genetics
Classification: Uncertain significance for Lymphangiomyomatosis; Isolated focal cortical dysplasia type II; Tuberous sclerosis 2. Last evaluated: 2024-03-11. Review status: criteria provided, single submitter. Criteria: ACMG Guidelines, 2015. Collection method: clinical testing. Allele origin: germline.

Ambry Genetics
Classification: Uncertain significance for Hereditary cancer-predisposing syndrome. Last evaluated: 2022-04-19. Review status: criteria provided, single submitter. Criteria: Ambry Variant Classification Scheme 2023. Collection method: clinical testing. Allele origin: germline.
Comment: The p.P541L variant (also known as c.1622C>T), located in coding exon 15 of the TSC2 gene, results from a C to T substitution at nucleotide position 1622. The proline at codon 541 is replaced by leucine, an amino acid with similar properties. This amino acid position is conserved. In addition, this alteration is predicted to be tolerated by in silico analysis. Since supporting evidence is limited at this time, the clinical significance of this alteration remains unclear.